The following is an entry in ClinVar:

ClinVar aggregate classification (germline): Uncertain significance. Review status: criteria provided, multiple submitters, no conflicts (2 of 4 stars). 2 submissions from 2 submitters: Uncertain significance (2). Last evaluated 2025-10-22.

Conditions:
Inborn genetic diseases. Identifiers: MedGen C0950123, MeSH D030342.

Submissions (2):

Ambry Genetics
Classification: Uncertain significance for Inborn genetic diseases. Last evaluated: 2025-10-22. Review status: criteria provided, single submitter. Criteria: Ambry Variant Classification Scheme 2023. Collection method: clinical testing. Allele origin: germline.

Labcorp Genetics (formerly Invitae), Labcorp
Classification: Uncertain significance. Last evaluated: 2022-01-21. Review status: criteria provided, single submitter. Criteria: Invitae Variant Classification Sherloc (09022015). Collection method: clinical testing. Allele origin: germline.
Comment: In summary, the available evidence is currently insufficient to determine the role of this variant in disease. Therefore, it has been classified as a Variant of Uncertain Significance. Advanced modeling of protein sequence and biophysical properties (such as structural, functional, and spatial information, amino acid conservation, physicochemical variation, residue mobility, and thermodynamic stability) performed at Invitae indicates that this missense variant is not expected to disrupt COL4A4 protein function. This variant has not been reported in the literature in individuals affected with COL4A4-related conditions. This variant is not present in population databases (gnomAD no frequency). This sequence change replaces proline, which is neutral and non-polar, with threonine, which is neutral and polar, at codon 1444 of the COL4A4 protein (p.Pro1444Thr).

NM_000092.5(COL4A4):c.4330C>A (p.Pro1444Thr)

Gene: COL4A4 (collagen type IV alpha 4 chain; minus strand). Cytogenetic location: 2q36.3.
Variant type: single nucleotide variant.
Coding change: c.4330C>A on transcript NM_000092.5 (MANE Select); coding-DNA position 4330, C replaced by A.
Protein change: p.Pro1444Thr; replaces proline 1444 with threonine.
Molecular consequence: missense variant.
Genome position (GRCh38, 1-based): chr2:227,012,184, G>T on the plus strand (C>A on the coding strand, the complement: COL4A4 is on the minus strand). VCF-style: chr2-227012184-G-T. GRCh37 (hg19) VCF-style: chr2-227876900-G-T.
Other names: short protein forms P1444T.
Identifiers: ClinVar variation 2150611 (VCV002150611.5), dbSNP rs2472733113, ClinGen allele CA350836385.